The following is an entry in ClinVar:

ClinVar aggregate classification (germline): Uncertain significance (1 of 4 stars; one submission).

Conditions:
Primary dilated cardiomyopathy (DCM). Also called: Dilated Cardiomyopathy. Identifiers: Orphanet 217604, MedGen C0007193, MeSH D002311, MONDO:0005021, HP:0001644. Inheritance: Various modes of inheritance.

Allele frequency attached by ClinVar (database versions not stated): gnomAD 0.00001; TOPMed 0.00001.
gnomAD v4.1: 2 of 1,613,944 alleles (0.00012%); highest among the groups gnomAD compares: African/African-American, 0.0013%; no homozygotes.

Submission:

Labcorp Genetics (formerly Invitae), Labcorp
Classification: Uncertain significance for Primary dilated cardiomyopathy. Last evaluated: 2025-07-29. Review status: criteria provided, single submitter. Criteria: Invitae Variant Classification Sherloc (09022015). Collection method: clinical testing. Allele origin: germline.
Comment: This sequence change replaces aspartic acid, which is acidic and polar, with glutamic acid, which is acidic and polar, at codon 344 of the TXNRD2 protein (p.Asp344Glu). This variant is present in population databases (rs759106464, gnomAD 0.004%). This variant has not been reported in the literature in individuals affected with TXNRD2-related conditions. ClinVar contains an entry for this variant (Variation ID: 2898826). Invitae Evidence Modeling of protein sequence and biophysical properties (such as structural, functional, and spatial information, amino acid conservation, physicochemical variation, residue mobility, and thermodynamic stability) indicates that this missense variant is not expected to disrupt TXNRD2 protein function with a negative predictive value of 80%. In summary, the available evidence is currently insufficient to determine the role of this variant in disease. Therefore, it has been classified as a Variant of Uncertain Significance.

NM_006440.5(TXNRD2):c.1032C>A (p.Asp344Glu)

Gene: TXNRD2 (thioredoxin reductase 2; minus strand). Cytogenetic location: 22q11.21.
Variant type: single nucleotide variant.
Coding change: c.1032C>A on transcript NM_006440.5 (MANE Select); coding-DNA position 1032, C replaced by A.
Protein change: p.Asp344Glu; replaces aspartic acid 344 with glutamic acid.
Molecular consequence: missense variant. On other transcripts: non-coding transcript variant (1).
Genome position (GRCh38, 1-based): chr22:19,883,379, G>T on the plus strand (C>A on the coding strand, the complement: TXNRD2 is on the minus strand). VCF-style: chr22-19883379-G-T. GRCh37 (hg19) VCF-style: chr22-19870902-G-T.
Other names: c.1029C>A, p.Asp343Glu (NM_001352300.2); c.942C>A, p.Asp314Glu (NM_001352301.2); c.744C>A, p.Asp248Glu (NM_001352302.2); short protein forms D248E, D343E, D344E, D314E.
Identifiers: ClinVar variation 2898826 (VCV002898826.3), dbSNP rs759106464, ClinGen allele CA10103858.